The following is an entry in ClinVar:

NM_001127222.2(CACNA1A):c.5840-2A>T

Gene: CACNA1A (calcium voltage-gated channel subunit alpha1 A; minus strand). Cytogenetic location: 19p13.13.
Variant type: single nucleotide variant.
Coding change: c.5840-2A>T on transcript NM_001127222.2 (MANE Select); the canonical splice acceptor site of the intron before coding-DNA position 5840, A replaced by T.
Molecular consequence: splice acceptor variant.
Genome position (GRCh38, 1-based): chr19:13,214,335, T>A on the plus strand (A>T on the coding strand, the complement: CACNA1A is on the minus strand). VCF-style: chr19-13214335-T-A. GRCh37 (hg19) VCF-style: chr19-13325149-T-A.
Other names: c.5843-2A>T (NM_001127221.2); c.5849-2A>T (NM_001174080.2); c.5858-2A>T (NM_000068.4, NM_023035.3).
Identifiers: ClinVar variation 1067028 (VCV001067028.7), dbSNP rs2144536202, ClinGen allele CA404334223.
Genomic context (GRCh38, chr19:13,214,335, plus strand): 5'-CCGGTAGTACTCCATGATCATCATGGCTGCGTAGATCTTCCCCACGGTGAGGTCCGTGGC[T>A]GGGGGCACACACACGGTGAGCTCACCAAGGGCAGGCCTCTTTGGGGCCCTTGTCCTGGGT-3'

ClinVar aggregate classification (germline): Likely pathogenic (1 of 4 stars; one submission).

Conditions:
Developmental and epileptic encephalopathy, 42 (DEE42A). Also called: DEVELOPMENTAL AND EPILEPTIC ENCEPHALOPATHY 42A; EPILEPTIC ENCEPHALOPATHY, EARLY INFANTILE, 42A; Epileptic encephalopathy, early infantile, 42. Identifiers: MedGen C4310716, MONDO:0014917, OMIM 617106.
Episodic ataxia type 2 (EA2). Also called: EPISODIC ATAXIA, NYSTAGMUS-ASSOCIATED; ACETAZOLAMIDE-RESPONSIVE HEREDITARY PAROXYSMAL CEREBELLAR ATAXIA; ATAXIA, EPISODIC, WITH NYSTAGMUS; ATAXIA, FAMILIAL PAROXYSMAL; CEREBELLAR ATAXIA, PAROXYSMAL, ACETAZOLAMIDE-RESPONSIVE; CEREBELLOPATHY, HEREDITARY PAROXYSMAL. Identifiers: Orphanet 97, MedGen C1720416, MONDO:0007163, OMIM 108500.

Submission:

Labcorp Genetics (formerly Invitae), Labcorp
Classification: Likely pathogenic for Developmental and epileptic encephalopathy, 42; Episodic ataxia type 2. Last evaluated: 2020-03-30. Review status: criteria provided, single submitter. Criteria: Invitae Variant Classification Sherloc (09022015). Collection method: clinical testing. Allele origin: germline.
Comment: This variant has not been reported in the literature in individuals with CACNA1A-related conditions. This variant is not present in population databases (ExAC no frequency). This sequence change affects an acceptor splice site in intron 39 of the CACNA1A gene. It is expected to disrupt RNA splicing and likely results in an absent or disrupted protein product. In summary, the currently available evidence indicates that the variant is pathogenic, but additional data are needed to prove that conclusively. Therefore, this variant has been classified as Likely Pathogenic. Donor and acceptor splice site variants typically lead to a loss of protein function (PMID: 16199547), and loss-of-function variants in CACNA1A are known to be pathogenic (PMID: 10371528, 19486177, 25735478, 27250579). Algorithms developed to predict the effect of sequence changes on RNA splicing suggest that this variant may disrupt the consensus splice site, but this prediction has not been confirmed by published transcriptional studies.

Literature cited by the submitters: PubMed 16199547; PubMed 10371528; PubMed 19486177; PubMed 25735478; PubMed 27250579.